The following is an entry in ClinVar:

NM_000179.3(MSH6):c.2551_2552insTTATA (p.Ser851fs)

Gene: MSH6 (mutS homolog 6; plus strand). Cytogenetic location: 2p16.3.
Variant type: Insertion.
Coding change: c.2551_2552insTTATA on transcript NM_000179.3 (MANE Select); coding-DNA positions 2551 to 2552, TTATA inserted.
Protein change: p.Ser851fs; shifts the reading frame from serine 851.
Molecular consequence: frameshift variant.
Genome position: GRCh38 VCF-style: chr2-47800533-C-CATTAT. GRCh37 (hg19) VCF-style: chr2-48027672-C-CATTAT.
Other names: c.2161_2162insTTATA, p.Ser721fs (NM_001281492.2); c.1645_1646insTTATA, p.Ser549fs (NM_001281493.2, NM_001281494.2); c.2647_2648insTTATA, p.Ser883Ilefs (NM_001406795.1, NM_001406802.1); c.2551_2552insTTATA, p.Ser851Ilefs (NM_001406796.1, NM_001406798.1, NM_001406800.1 and 2 more transcripts); c.2254_2255insTTATA, p.Ser752Ilefs (NM_001406797.1, NM_001406801.1, NM_001406805.1 and 10 more transcripts); c.2026_2027insTTATA, p.Ser676Ilefs (NM_001406799.1, NM_001406806.1, NM_001406807.1); c.2473_2474insTTATA, p.Ser825Ilefs (NM_001406804.1); c.1645_1646insTTATA, p.Ser549Ilefs (NM_001406811.1, NM_001406812.1, NM_001406814.1 and 4 more transcripts); and 2 more; short protein forms S549fs, S721fs, S851fs.
Identifiers: ClinVar variation 1804119 (VCV001804119.26), dbSNP rs2530679270, ClinGen allele CA2580067946.

ClinVar aggregate classification (germline): Pathogenic/Likely pathogenic. Review status: criteria provided, multiple submitters, no conflicts (2 of 4 stars). 2 submissions from 2 submitters: Pathogenic (1); Likely pathogenic (1). Last evaluated 2023-07-01.

Conditions:
Lynch syndrome 5 (LYNCH5). Also called: Hereditary non-polyposis colorectal cancer, type 5; Colorectal cancer, hereditary nonpolyposis, type 5. Identifiers: Orphanet 144, MedGen C1833477, MONDO:0013710, OMIM 614350. Disease mechanism: loss of function.

Submissions (2):

CeGaT Center for Human Genetics Tuebingen
Classification: Pathogenic. Last evaluated: 2023-07-01. Review status: criteria provided, single submitter. Criteria: CeGaT Center For Human Genetics Tuebingen Variant Classification Criteria Version 2. Collection method: clinical testing. Allele origin: germline. Affected: yes. Observed: 1 variant allele.
Comment: MSH6: PVS1, PM2

Institute of Human Genetics, University of Leipzig Medical Center
Classification: Likely pathogenic for Lynch syndrome 5. Last evaluated: 2022-12-15. Review status: criteria provided, single submitter. Criteria: ACMG Guidelines, 2015. Collection method: clinical testing. Allele origin: unknown.
Comment: _x000D_ Criteria applied: PVS1, PM2_SUP